The following is an entry in ClinVar:

NM_005090.4(JMJD7-PLA2G4B):c.1932+4C>T

Genes: JMJD7-PLA2G4B (JMJD7-PLA2G4B readthrough; plus strand), PLA2G4B (phospholipase A2 group IVB; plus strand). Cytogenetic location: 15q15.1.
Variant type: single nucleotide variant.
Coding change: c.1932+4C>T on transcript NM_005090.4; 4 bases into the intron after coding-DNA position 1932, C replaced by T.
Molecular consequence: intron variant.
Genome position (GRCh38, 1-based): chr15:41,845,074, C>T. VCF-style: chr15-41845074-C-T. GRCh37 (hg19) VCF-style: chr15-42137272-C-T.
Other names: c.1932+4C>T (NM_001198588.2); c.1239+4C>T (NM_001114633.2).
Identifiers: ClinVar variation 3033105 (VCV003033105.2), dbSNP rs190180946, ClinGen allele CA7499976.

ClinVar aggregate classification (germline): Likely benign (0 of 4 stars; one submission).

Conditions:
JMJD7-PLA2G4B-related disorder. Also called: JMJD7-PLA2G4B-related condition.

Allele frequency attached by ClinVar (database versions not stated): gnomAD exomes 0.00002; gnomAD 0.00006; TOPMed 0.00007; ExAC 0.00011; 1000 Genomes Project 0.00020.
gnomAD v4.1: 41 of 1,594,884 alleles (0.0026%); highest among the groups gnomAD compares: East Asian, 0.041%; no homozygotes.

Submission:

PreventionGenetics, part of Exact Sciences
Classification: Likely benign for JMJD7-PLA2G4B-related condition. Last evaluated: 2019-06-17. Review status: no assertion criteria provided. Collection method: clinical testing. Allele origin: germline.
Comment: This variant is classified as likely benign based on ACMG/AMP sequence variant interpretation guidelines (Richards et al. 2015 PMID: 25741868, with internal and published modifications).